The following is an entry in ClinVar:

ClinVar aggregate classification (germline): Pathogenic. Review status: criteria provided, multiple submitters, no conflicts (2 of 4 stars). 4 submissions from 4 submitters: Pathogenic (3). 1 of the submissions does not count toward it. Last evaluated 2025-07-09.

Conditions:
Autosomal recessive multiple pterygium syndrome. Also called: MULTIPLE PTERYGIUM SYNDROME, ESCOBAR VARIANT; PTERYGIUM COLLI SYNDROME; PTERYGIUM SYNDROME; PTERYGIUM UNIVERSALE. Identifiers: Orphanet 2990, MedGen C0265261, MONDO:0009926, OMIM 265000.
Lethal multiple pterygium syndrome (LMPS). Identifiers: Orphanet 33108, MedGen C1854678, MONDO:0009668, OMIM 253290.

Allele frequency attached by ClinVar (database versions not stated): gnomAD exomes 0.00001 and 0.00003; TOPMed 0.00001; ExAC 0.00001; gnomAD 0.00001.
gnomAD v4.1: 23 of 1,614,032 alleles (0.0014%); highest among the groups gnomAD compares: East Asian, 0.045%; no homozygotes.

Submissions (4):

3billion
Classification: Pathogenic for Autosomal recessive multiple pterygium syndrome. Last evaluated: 2025-07-09. Review status: criteria provided, single submitter. Criteria: ACMG Guidelines, 2015. Collection method: clinical testing. Allele origin: germline. Affected: yes.
Comment: The variant is observed at an extremely low frequency in the gnomAD v4.1.0 dataset (total allele frequency: 0.001%). Predicted Consequence/Location: Missense variant. The majority of the known disease-causing variants of this gene are variants expected to result in premature termination of the protein. In silico tool predictions suggest damaging effect of the variant on gene or gene product [REVEL: 0.95 (>=0.6, sensitivity 0.68 and specificity 0.92)]. The same nucleotide change resulting in the same amino acid change has been previously reported as pathogenic/likely pathogenic with strong evidence (ClinVar ID: VCV000217751 /PMID: 25411939 /3billion dataset). The variant has been reported to be in trans with a pathogenic variant as either compound heterozygous or homozygous in at least 2 similarly affected unrelated individuals (PMID: 25608830 /3billion dataset). Therefore, this variant is classified as Pathogenic according to the recommendation of ACMG/AMP guideline.

Labcorp Genetics (formerly Invitae), Labcorp
Classification: Pathogenic. Last evaluated: 2024-02-22. Review status: criteria provided, single submitter. Criteria: Invitae Variant Classification Sherloc (09022015). Collection method: clinical testing. Allele origin: germline.
Comment: This sequence change replaces proline, which is neutral and non-polar, with arginine, which is basic and polar, at codon 143 of the CHRNG protein (p.Pro143Arg). This variant is present in population databases (rs765746795, gnomAD 0.01%). This missense change has been observed in individual(s) with clinical features of multiple pterygium syndrome (PMID: 25608830, 32901917). In at least one individual the data is consistent with being in trans (on the opposite chromosome) from a pathogenic variant. ClinVar contains an entry for this variant (Variation ID: 217751). Advanced modeling of protein sequence and biophysical properties (such as structural, functional, and spatial information, amino acid conservation, physicochemical variation, residue mobility, and thermodynamic stability) performed at Invitae indicates that this missense variant is not expected to disrupt CHRNG protein function with a negative predictive value of 80%. For these reasons, this variant has been classified as Pathogenic.

Women's Health and Genetics/Laboratory Corporation of America, LabCorp
Classification: Pathogenic for Lethal multiple pterygium syndrome. Last evaluated: 2022-11-17. Review status: criteria provided, single submitter. Criteria: LabCorp Variant Classification Summary - May 2015. Collection method: clinical testing. Allele origin: germline.
Comment: Variant summary: CHRNG c.428C>G (p.Pro143Arg) results in a non-conservative amino acid change located in the Neurotransmitter-gated ion-channel ligand-binding domain (IPR006202) of the encoded protein sequence. Five of five in-silico tools predict a damaging effect of the variant on protein function. The variant allele was found at a frequency of 8e-06 in 251468 control chromosomes (gnomAD). c.428C>G has been reported in the literature as a biallelic genotype in multiple individuals affected with Non-Lethal Multiple Pterygium Syndrome (Escobar Syndrome, Sung_2015, Seo_2015, Seo_2020). These data indicate that the variant is very likely to be associated with disease. To our knowledge, no experimental evidence demonstrating an impact on protein function has been reported. Two ClinVar submitters have assessed the variant since 2014: both classified the variant as pathogenic. Based on the evidence outlined above, the variant was classified as pathogenic.

OMIM
Classification: Pathogenic for ESCOBAR SYNDROME. Last evaluated: 2015-04-01. Review status: no assertion criteria provided. Collection method: literature only. Allele origin: germline. Not counted in ClinVar's aggregate classification.

Literature cited by the submitters: PubMed 25411939 (cited by 3billion and Women's Health and Genetics/Laboratory Corporation of America, LabCorp); PubMed 25608830 (cited by 4 submitters); PubMed 32901917 (cited by Labcorp Genetics (formerly Invitae), Labcorp and Women's Health and Genetics/Laboratory Corporation of America, LabCorp).

NM_005199.5(CHRNG):c.428C>G (p.Pro143Arg)

Gene: CHRNG (cholinergic receptor nicotinic gamma subunit; plus strand). Cytogenetic location: 2q37.1.
Variant type: single nucleotide variant.
Coding change: c.428C>G on transcript NM_005199.5 (MANE Select); coding-DNA position 428, C replaced by G.
Protein change: p.Pro143Arg; replaces proline 143 with arginine.
Molecular consequence: missense variant.
Genome position (GRCh38, 1-based): chr2:232,541,451, C>G. VCF-style: chr2-232541451-C-G. GRCh37 (hg19) VCF-style: chr2-233406161-C-G.
Other names: short protein forms P143R.
Identifiers: ClinVar variation 217751 (VCV000217751.8), dbSNP rs765746795, ClinGen allele CA210351.